The following is an entry in ClinVar:

NM_000051.4(ATM):c.4777-13T>A

Gene: ATM (ATM serine/threonine kinase; plus strand). Cytogenetic location: 11q22.3.
Variant type: single nucleotide variant.
Coding change: c.4777-13T>A on transcript NM_000051.4 (MANE Select); 13 bases into the intron before coding-DNA position 4777, T replaced by A.
Molecular consequence: intron variant.
Genome position (GRCh38, 1-based): chr11:108,294,914, T>A. VCF-style: chr11-108294914-T-A. GRCh37 (hg19) VCF-style: chr11-108165641-T-A.
Other names: c.4777-13T>A (NM_001351834.2).
Identifiers: ClinVar variation 556259 (VCV000556259.13), dbSNP rs371535082, ClinGen allele CA6265555.
Genomic context (GRCh38, chr11:108,294,914, plus strand): 5'-TTTTCTTTTATTAAGTTTTATTTCACAGGCTTAACCAATACGTGTTAAAAGCAAGTTACA[T>A]TTTCTCTTTTAGGAAATTAACCATTTTCTCTCAGTAAGTGTTTATGATGCACTTCCATTG-3'

ClinVar aggregate classification (germline): Likely benign. Review status: criteria provided, multiple submitters, no conflicts (2 of 4 stars). 5 submissions from 5 submitters: Likely benign (4). 1 of the submissions does not count toward it. Last evaluated 2026-01-11.

Conditions:
Hereditary cancer-predisposing syndrome. Also called: Tumor predisposition; Neoplastic Syndromes, Hereditary; Hereditary Cancer Syndrome; Hereditary neoplastic syndrome. Identifiers: Orphanet 140162, MedGen C0027672, MeSH D009386, MONDO:0015356.
Familial cancer of breast. Also called: Hereditary breast cancer; BREAST CANCER, FAMILIAL; hereditary breast carcinoma. Identifiers: Orphanet 227535, MedGen C0346153, MONDO:0016419, OMIM 114480. Disease mechanism: loss of function.
Ataxia-telangiectasia syndrome (AT). Also called: Ataxia telangiectasia (A-T); ATAXIA-TELANGIECTASIA, COMPLEMENTATION GROUP A; ATAXIA-TELANGIECTASIA, FRESNO VARIANT; Ataxia-telangiectasia; LOUIS-BAR SYNDROME; Cerebello-oculocutaneous telangiectasia. Identifiers: Orphanet 100, MedGen C0004135, MONDO:0008840, OMIM 208900.

Allele frequency attached by ClinVar (database versions not stated): gnomAD exomes below 0.00001 and 0.00002; ExAC 0.00003; TOPMed 0.00003; gnomAD 0.00004; ESP Exome Variant Server 0.00008; 1000 Genomes Project 30x 0.00031; 1000 Genomes Project 0.00040.
gnomAD v4.1: 9 of 1,613,398 alleles (0.00056%); highest among the groups gnomAD compares: African/African-American, 0.012%; no homozygotes.

Submissions (5):

Labcorp Genetics (formerly Invitae), Labcorp
Classification: Likely benign for Ataxia-telangiectasia syndrome. Last evaluated: 2026-01-11. Review status: criteria provided, single submitter. Criteria: Invitae Variant Classification Sherloc (09022015). Collection method: clinical testing. Allele origin: germline.

Myriad Genetics, Inc.
Classification: Likely benign for Familial cancer of breast. Last evaluated: 2024-05-21. Review status: criteria provided, single submitter. Criteria: Myriad Autosomal Dominant, Autosomal Recessive and X-Linked Classification Criteria (2023). Collection method: clinical testing. Allele origin: unknown.
Comment: This variant is considered likely benign. This variant is intronic and is not expected to impact mRNA splicing. This variant is strongly associated with less severe personal and family histories of cancer, typical for individuals without pathogenic variants in this gene [PMID: 25085752].

GeneDx
Classification: Likely benign. Last evaluated: 2023-03-21. Review status: criteria provided, single submitter. Criteria: GeneDx Variant Classification Process June 2021. Collection method: clinical testing. Allele origin: germline. Affected: yes.
Comment: In silico analysis supports that this variant does not alter splicing; Has not been previously published as pathogenic or benign to our knowledge

Color Diagnostics, LLC DBA Color Health
Classification: Likely benign for Hereditary cancer-predisposing syndrome. Last evaluated: 2018-11-06. Review status: criteria provided, single submitter. Criteria: ACMG Guidelines, 2015. Collection method: clinical testing. Allele origin: germline.

Counsyl
Classification: Uncertain significance for Ataxia-telangiectasia syndrome. Last evaluated: 2018-01-22. Review status: no assertion criteria provided. Collection method: clinical testing. Allele origin: unknown. Not counted in ClinVar's aggregate classification.

Literature cited by the submitters: PubMed 25085752 (cited by Myriad Genetics, Inc.).